The following is an entry in ClinVar:

ClinVar aggregate classification (germline): Pathogenic (1 of 4 stars; one submission).

Conditions:
Neuronopathy, distal hereditary motor, autosomal recessive 4. Also called: Autosomal recessive lower motor neuron disease with childhood onset; NEUROPATHY, DISTAL HEREDITARY MOTOR, AUTOSOMAL RECESSIVE 4. Identifiers: Orphanet 206580, MedGen C1970211, MONDO:0012608, OMIM 611067.
Charcot-Marie-Tooth disease recessive intermediate C. Also called: CHARCOT-MARIE-TOOTH NEUROPATHY, RECESSIVE INTERMEDIATE C. Identifiers: Orphanet 369867, MedGen C3809309, MONDO:0014154, OMIM 615376.

gnomAD v4.1: 1 of 1,607,138 alleles (0.000062%); highest among the groups gnomAD compares: Non-Finnish European, 0.000085%; no homozygotes.

Submission:

Labcorp Genetics (formerly Invitae), Labcorp
Classification: Pathogenic for Neuronopathy, distal hereditary motor, autosomal recessive 4; Charcot-Marie-Tooth disease recessive intermediate C. Last evaluated: 2023-02-08. Review status: criteria provided, single submitter. Criteria: Invitae Variant Classification Sherloc (09022015). Collection method: clinical testing. Allele origin: germline.
Comment: For these reasons, this variant has been classified as Pathogenic. This variant has not been reported in the literature in individuals affected with PLEKHG5-related conditions. This variant is not present in population databases (gnomAD no frequency). This sequence change creates a premature translational stop signal (p.Tyr548*) in the PLEKHG5 gene. It is expected to result in an absent or disrupted protein product. Loss-of-function variants in PLEKHG5 are known to be pathogenic (PMID: 17564964, 23777631).

Literature cited by the submitters: PubMed 17564964; PubMed 23777631.

NM_020631.6(PLEKHG5):c.1644C>G (p.Tyr548Ter)

Gene: PLEKHG5 (pleckstrin homology and RhoGEF domain containing G5; minus strand). Cytogenetic location: 1p36.31.
Variant type: single nucleotide variant.
Coding change: c.1644C>G on transcript NM_020631.6 (MANE Select); coding-DNA position 1644, C replaced by G.
Protein change: p.Tyr548Ter; replaces tyrosine 548 with a stop codon.
Molecular consequence: nonsense.
Genome position (GRCh38, 1-based): chr1:6,470,542, G>C on the plus strand (C>G on the coding strand, the complement: PLEKHG5 is on the minus strand). VCF-style: chr1-6470542-G-C. GRCh37 (hg19) VCF-style: chr1-6530602-G-C.
Other names: c.1755C>G, p.Tyr585Ter (NM_001042663.3, NM_001265592.2); c.1644C>G, p.Tyr548Ter (NM_001042664.2, NM_001042665.2, NM_001265594.3 and 1 more transcripts); c.1851C>G, p.Tyr617Ter (NM_001265593.2); short protein forms Y617*, Y548*, Y585*.
Identifiers: ClinVar variation 2944038 (VCV002944038.3), dbSNP rs775517465, ClinGen allele CA338124703.